The following is an entry in ClinVar:

NM_018006.5(TRMU):c.117G>A (p.Trp39Ter)

Gene: TRMU (tRNA mitochondrial 2-thiouridylase; plus strand). Cytogenetic location: 22q13.31.
Variant type: single nucleotide variant.
Coding change: c.117G>A on transcript NM_018006.5 (MANE Select); coding-DNA position 117, G replaced by A.
Protein change: p.Trp39Ter; replaces tryptophan 39 with a stop codon.
Molecular consequence: nonsense. On other transcripts: 5 prime UTR variant (3), non-coding transcript variant (2).
Genome position (GRCh38, 1-based): chr22:46,337,813, G>A. VCF-style: chr22-46337813-G-A. GRCh37 (hg19) VCF-style: chr22-46733710-G-A.
Other names: c.-119G>A (NM_001282782.2); c.-138G>A (NM_001282783.2, NM_001282784.2); c.117G>A, p.Trp39Ter (NM_001282785.2); short protein forms W39*.
Identifiers: ClinVar variation 856245 (VCV000856245.15), dbSNP rs1174791046, ClinGen allele CA411939993.

ClinVar aggregate classification (germline): Pathogenic. Review status: criteria provided, multiple submitters, no conflicts (2 of 4 stars). 4 submissions from 4 submitters: Pathogenic (4). Last evaluated 2024-05-22.

Conditions:
Acute infantile liver failure due to synthesis defect of mtDNA-encoded proteins. Also called: LIVER FAILURE, INFANTILE, TRANSIENT; TRMU Deficiency; Liver failure acute infantile. Identifiers: Orphanet 217371, MedGen C3278664, MONDO:0013111, OMIM 613070.
Aminoglycoside-induced deafness. Also called: MT-RNR1-Related Hearing Loss and Deafness; DEAFNESS, STREPTOMYCIN-INDUCED; STREPTOMYCIN OTOTOXICITY. Identifiers: Orphanet 168609, MedGen C1838854, MONDO:0010799, OMIM 580000.

Allele frequency attached by ClinVar (database versions not stated): gnomAD exomes below 0.00001 and 0.00001.

Submissions (4):

Natera, Inc.
Classification: Pathogenic for Acute infantile liver failure due to synthesis defect of mtDNA-encoded proteins. Last evaluated: 2024-05-22. Review status: criteria provided, single submitter. Criteria: Natera Variant Classification Schema (03/2026). Collection method: clinical testing. Allele origin: germline.
Comment: The c.117G>A variant in TRMU is a nonsense variant predicted to introduce a stop codon at amino acid 39. This variant is expected to result in nonsense mediated decay, truncation, or a dysfunctional protein product. This variant is rare in the general population with a frequency below the threshold expected for the associated phenotype(s). This variant has been observed in one or more individuals affected with the associated recessive disease, as either homozygous or compound heterozygous with a second variant (PMID: 28973083). Given the available evidence, this variant is classified as Pathogenic.

Labcorp Genetics (formerly Invitae), Labcorp
Classification: Pathogenic. Last evaluated: 2024-03-22. Review status: criteria provided, single submitter. Criteria: Invitae Variant Classification Sherloc (09022015). Collection method: clinical testing. Allele origin: germline.
Comment: This sequence change creates a premature translational stop signal (p.Trp39*) in the TRMU gene. It is expected to result in an absent or disrupted protein product. Loss-of-function variants in TRMU are known to be pathogenic (PMID: 19732863, 23625533). This variant is present in population databases (no rsID available, gnomAD 0.002%). This premature translational stop signal has been observed in individual(s) with clinical features of acute infantile liver failure (PMID: 30740308). ClinVar contains an entry for this variant (Variation ID: 856245). For these reasons, this variant has been classified as Pathogenic.

Baylor Genetics
Classification: Pathogenic for Aminoglycoside-induced deafness. Last evaluated: 2024-03-18. Review status: criteria provided, single submitter. Criteria: ACMG Guidelines, 2015. Collection method: clinical testing. Allele origin: unknown.

Elsea Laboratory, Baylor College of Medicine
Classification: Pathogenic for Acute infantile liver failure due to synthesis defect of mtDNA-encoded proteins. Last evaluated: 2020-04-01. Review status: criteria provided, single submitter. Criteria: ACMG Guidelines, 2015. Collection method: clinical testing. Allele origin: paternal. Affected: yes.

Literature cited by the submitters: PubMed 28973083 (cited by Natera, Inc.); PubMed 19732863 (cited by Labcorp Genetics (formerly Invitae), Labcorp); PubMed 23625533 (cited by Labcorp Genetics (formerly Invitae), Labcorp); PubMed 30740308 (cited by Labcorp Genetics (formerly Invitae), Labcorp).